The following is an entry in ClinVar:

ClinVar aggregate classification (germline): Conflicting classifications of pathogenicity. Review status: criteria provided, conflicting classifications (1 of 4 stars). 6 submissions from 6 submitters: Uncertain significance (5); Likely benign (1). Last evaluated 2026-01-05.

Conditions:
Juvenile polyposis syndrome (JPS). Identifiers: Orphanet 2929, MedGen C0345893, MONDO:0017380, OMIM 174900.
Hereditary cancer-predisposing syndrome. Also called: Hereditary Cancer Syndrome; Neoplastic Syndromes, Hereditary; Tumor predisposition; Hereditary neoplastic syndrome. Identifiers: Orphanet 140162, MedGen C0027672, MeSH D009386, MONDO:0015356.

Allele frequency attached by ClinVar (database versions not stated): gnomAD exomes below 0.00001; ExAC 0.00001.
gnomAD v4.1: 5 of 1,614,070 alleles (0.00031%); highest among the groups gnomAD compares: African/African-American, 0.0013%; no homozygotes.

Submissions (6):

Labcorp Genetics (formerly Invitae), Labcorp
Classification: Uncertain significance for Juvenile polyposis syndrome. Last evaluated: 2026-01-05. Review status: criteria provided, single submitter. Criteria: Invitae Variant Classification Sherloc (09022015). Collection method: clinical testing. Allele origin: germline.
Comment: This sequence change replaces proline, which is neutral and non-polar, with serine, which is neutral and polar, at codon 139 of the BMPR1A protein (p.Pro139Ser). This variant is present in population databases (rs772163112, gnomAD 0.006%). This variant has not been reported in the literature in individuals affected with BMPR1A-related conditions. ClinVar contains an entry for this variant (Variation ID: 231706). Invitae Evidence Modeling incorporating data from in vitro experimental studies (internal data) indicates that this missense variant is not expected to disrupt BMPR1A function with a negative predictive value of 95%. In summary, the available evidence is currently insufficient to determine the role of this variant in disease. Therefore, it has been classified as a Variant of Uncertain Significance.

Color Diagnostics, LLC DBA Color Health
Classification: Uncertain significance for Hereditary cancer-predisposing syndrome. Last evaluated: 2024-03-06. Review status: criteria provided, single submitter. Criteria: ACMG Guidelines, 2015. Collection method: clinical testing. Allele origin: germline.
Comment: This missense variant replaces proline with serine at codon 139 of the BMPR1A protein. Computational prediction suggests that this variant may not impact protein structure and function (internally defined REVEL score threshold <= 0.5, PMID: 27666373). To our knowledge, functional studies have not been reported for this variant. This variant has not been reported in individuals affected with BMPR1A-related disorders in the literature. This variant has been identified in 1/246208 chromosomes in the general population by the Genome Aggregation Database (gnomAD). The available evidence is insufficient to determine the role of this variant in disease conclusively. Therefore, this variant is classified as a Variant of Uncertain Significance.

All of Us Research Program, National Institutes of Health
Classification: Uncertain significance for Juvenile polyposis syndrome. Last evaluated: 2023-07-10. Review status: criteria provided, single submitter. Criteria: ACMG Guidelines, 2015. Collection method: clinical testing. Allele origin: germline. Inheritance: Autosomal dominant inheritance. Observed: 1 variant allele, 1 heterozygote.
Comment: This missense variant replaces proline with serine at codon 139 of the BMPR1A protein. Computational prediction suggests that this variant may not impact protein structure and function (internally defined REVEL score threshold <= 0.5, PMID: 27666373). To our knowledge, functional studies have not been reported for this variant. This variant has not been reported in individuals affected with BMPR1A-related disorders in the literature. This variant has been identified in 1/246208 chromosomes in the general population by the Genome Aggregation Database (gnomAD). The available evidence is insufficient to determine the role of this variant in disease conclusively. Therefore, this variant is classified as a Variant of Uncertain Significance.

This study involves interpretation of variants in research participants for the purpose of population health screening. Participant phenotype was not available at the time of variant classification. Additional details can be found in publication PMID: 35346344, PMCID: PMC8962531

GeneDx
Classification: Uncertain significance. Last evaluated: 2022-06-03. Review status: criteria provided, single submitter. Criteria: GeneDx Variant Classification Process June 2021. Collection method: clinical testing. Allele origin: germline. Affected: yes.
Comment: Not observed at significant frequency in large population cohorts (gnomAD); In silico analysis supports that this missense variant does not alter protein structure/function; Has not been previously published as pathogenic or benign to our knowledge

Sema4
Classification: Uncertain significance for Hereditary cancer-predisposing syndrome. Last evaluated: 2021-05-28. Review status: criteria provided, single submitter. Criteria: Sema4 Curation Guidelines. Collection method: curation. Allele origin: germline.
Comment: The BMPR1A c.415C>T (p.P139S) variant has not been reported in the literature to our knowledge. It was not observed in the large and broad cohorts of the Genome Aggregation Database (PMID: 32461654). The variant has been reported in ClinVar (Variation ID 231706). In silico tools suggest the impact of the variant on protein function is inconclusive, though these predictions have not been confirmed by functional studies. The evidence is insufficient to meet ACMG/AMP criteria for classifying the variant as benign or pathogenic. Thus, the clinical significance of this variant is currently uncertain.

Ambry Genetics
Classification: Likely benign for Hereditary cancer-predisposing syndrome. Last evaluated: 2017-12-22. Review status: criteria provided, single submitter. Criteria: Ambry Variant Classification Scheme 2023. Collection method: clinical testing. Allele origin: germline.

NM_004329.3(BMPR1A):c.415C>T (p.Pro139Ser)

Gene: BMPR1A (bone morphogenetic protein receptor type 1A; plus strand). Cytogenetic location: 10q23.2.
Variant type: single nucleotide variant.
Coding change: c.415C>T on transcript NM_004329.3 (MANE Select); coding-DNA position 415, C replaced by T.
Protein change: p.Pro139Ser; replaces proline 139 with serine.
Molecular consequence: missense variant.
Genome position (GRCh38, 1-based): chr10:86,899,875, C>T. VCF-style: chr10-86899875-C-T. GRCh37 (hg19) VCF-style: chr10-88659632-C-T.
Other names: short protein forms P139S.
Identifiers: ClinVar variation 231706 (VCV000231706.22), dbSNP rs772163112, ClinGen allele CA5585502.
Genomic context (GRCh38, chr10:86,899,875, plus strand): 5'-CGCCGGACAATAGAATGTTGTCGGACCAATTTATGTAACCAGTATTTGCAACCCACACTG[C>T]CCCCTGTTGTCATAGGTAGGTTAGCCGAGAAAAGTCGGAGCATGCTTCTCAAATATCTTC-3'
Protein context (NP_004320.2, residues 129-149): LCNQYLQPTL[Pro139Ser]PVVIGPFFDG